The following is an entry in ClinVar:

NM_001376.5(DYNC1H1):c.362G>A (p.Arg121His)

Gene: DYNC1H1 (dynein cytoplasmic 1 heavy chain 1; plus strand). Cytogenetic location: 14q32.31.
Variant type: single nucleotide variant.
Coding change: c.362G>A on transcript NM_001376.5 (MANE Select); coding-DNA position 362, G replaced by A.
Protein change: p.Arg121His; replaces arginine 121 with histidine.
Molecular consequence: missense variant.
Genome position (GRCh38, 1-based): chr14:101,979,336, G>A. VCF-style: chr14-101979336-G-A. GRCh37 (hg19) VCF-style: chr14-102445673-G-A.
Other names: short protein forms R121H.
Identifiers: ClinVar variation 2730445 (VCV002730445.3), dbSNP rs201746558, ClinGen allele CA266972862.

ClinVar aggregate classification (germline): Uncertain significance (1 of 4 stars; one submission).

Conditions:
Charcot-Marie-Tooth disease axonal type 2O. Also called: Charcot-Marie-Tooth disease, axonal, type 20; CHARCOT-MARIE-TOOTH NEUROPATHY, AXONAL, TYPE 2O; CHARCOT-MARIE-TOOTH DISEASE, AXONAL, AUTOSOMAL DOMINANT, TYPE 2O; Charcot-Marie-Tooth Neuropathy Type 2O. Identifiers: Orphanet 284232, MedGen C3280220, MONDO:0013644, OMIM 614228.

Allele frequency attached by ClinVar (database versions not stated): gnomAD 0.00001; 1000 Genomes Project 30x 0.00016; 1000 Genomes Project 0.00020.

Submission:

Labcorp Genetics (formerly Invitae), Labcorp
Classification: Uncertain significance for Charcot-Marie-Tooth disease axonal type 2O. Last evaluated: 2023-06-17. Review status: criteria provided, single submitter. Criteria: Invitae Variant Classification Sherloc (09022015). Collection method: clinical testing. Allele origin: germline.
Comment: In summary, the available evidence is currently insufficient to determine the role of this variant in disease. Therefore, it has been classified as a Variant of Uncertain Significance. Advanced modeling of protein sequence and biophysical properties (such as structural, functional, and spatial information, amino acid conservation, physicochemical variation, residue mobility, and thermodynamic stability) has been performed at Invitae for this missense variant, however the output from this modeling did not meet the statistical confidence thresholds required to predict the impact of this variant on DYNC1H1 protein function. This variant has not been reported in the literature in individuals affected with DYNC1H1-related conditions. This variant is not present in population databases (gnomAD no frequency). This sequence change replaces arginine, which is basic and polar, with histidine, which is basic and polar, at codon 121 of the DYNC1H1 protein (p.Arg121His).